The following is an entry in ClinVar:

NM_021101.5(CLDN1):c.223+7G>A

Genes: CLDN1 (claudin 1; minus strand), CLDN16 (claudin 16; plus strand). Cytogenetic location: 3q28.
Variant type: single nucleotide variant.
Coding change: c.223+7G>A on transcript NM_021101.5 (MANE Select); 7 bases into the intron after coding-DNA position 223, G replaced by A.
Molecular consequence: intron variant.
Genome position (GRCh38, 1-based): chr3:190,321,977, C>T on the plus strand (G>A on the coding strand, the complement: CLDN1 is on the minus strand). VCF-style: chr3-190321977-C-T. GRCh37 (hg19) VCF-style: chr3-190039766-C-T.
Other names: c.-279+6918C>T (NM_001378492.1); c.-279+31386C>T (NM_001378493.1).
Identifiers: ClinVar variation 4985557 (VCV004985557.1).

ClinVar aggregate classification (germline): Likely benign (1 of 4 stars; one submission).

Conditions:
CLDN1-related disorder. Also called: CLDN1-related condition.

gnomAD v4.1: 3 of 1,611,804 alleles (0.00019%); highest among the groups gnomAD compares: Admixed American, 0.0017%; no homozygotes.

Submission:

PreventionGenetics, part of Exact Sciences
Classification: Likely benign for CLDN1-related condition. Last evaluated: 2025-03-19. Review status: criteria provided, single submitter. Criteria: ACMG Guidelines, 2015. Collection method: clinical testing. Allele origin: germline.
Comment: This variant is classified as likely benign based on ACMG/AMP sequence variant interpretation guidelines (Richards et al. 2015 PMID: 25741868, with internal and published modifications).